The following is an entry in ClinVar:

NM_182961.4(SYNE1):c.1842C>T (p.Asn614=)

Gene: SYNE1 (spectrin repeat containing nuclear envelope protein 1; minus strand). Cytogenetic location: 6q25.2.
Variant type: single nucleotide variant.
Coding change: c.1842C>T on transcript NM_182961.4 (MANE Select); coding-DNA position 1842, C replaced by T.
Protein change: p.Asn614=; no amino-acid change (asparagine 614 retained).
Molecular consequence: synonymous variant.
Genome position (GRCh38, 1-based): chr6:152,465,348, G>A on the plus strand (C>T on the coding strand, the complement: SYNE1 is on the minus strand). VCF-style: chr6-152465348-G-A. GRCh37 (hg19) VCF-style: chr6-152786483-G-A.
Other names: c.1863C>T, p.Asn621= (NM_033071.5).
Identifiers: ClinVar variation 384480 (VCV000384480.1), dbSNP rs749976636, ClinGen allele CA4059291.

ClinVar aggregate classification (germline): Likely benign (1 of 4 stars; one submission).

Allele frequency attached by ClinVar (database versions not stated): gnomAD 0.00001; ExAC 0.00002; TOPMed 0.00001 and 0.00002.
gnomAD v4.1: 7 of 1,613,700 alleles (0.00043%); highest among the groups gnomAD compares: Admixed American, 0.0017%; no homozygotes.

Submission:

GeneDx
Classification: Likely benign. Last evaluated: 2016-03-17. Review status: criteria provided, single submitter. Criteria: GeneDx Variant Classification (06012015). Collection method: clinical testing. Allele origin: germline. Affected: yes.
Comment: This variant is considered likely benign or benign based on one or more of the following criteria: it is a conservative change, it occurs at a poorly conserved position in the protein, it is predicted to be benign by multiple in silico algorithms, and/or has population frequency not consistent with disease.